The following is an entry in ClinVar:

ClinVar aggregate classification (germline): Benign (1 of 4 stars; one submission).

Conditions:
Polydactyly of a triphalangeal thumb. Also called: POLYDACTYLY OF TRIPHALANGEAL THUMB; TRIPHALANGEAL THUMB-POLYDACTYLY SYNDROME; Polydactyly, preaxial type II. Identifiers: Orphanet 2439, Orphanet 2950, Orphanet 93336, MedGen C1868114, MONDO:0008270, OMIM 174500.

Allele frequency attached by ClinVar (database versions not stated): 1000 Genomes Project 30x 0.00094; 1000 Genomes Project 0.00140; TOPMed 0.00150; gnomAD 0.00153 and 0.00161.

Submission:

Illumina Laboratory Services, Illumina
Classification: Benign for Polydactyly of a triphalangeal thumb. Last evaluated: 2018-01-13. Review status: criteria provided, single submitter. Criteria: ICSL Variant Classification Criteria 13 December 2019. Collection method: clinical testing. Allele origin: germline.
Comment: This variant was observed in the ICSL laboratory as part of a predisposition screen in an ostensibly healthy population. It had not been previously curated by ICSL or reported in the Human Gene Mutation Database (HGMD: prior to June 1st, 2018), and was therefore a candidate for classification through an automated scoring system. Utilizing variant allele frequency, disease prevalence and penetrance estimates, and inheritance mode, an automated score was calculated to assess if this variant is too frequent to cause the disease. Based on the score and internal cut-off values, a variant classified as benign is not then subjected to further curation. The score for this variant resulted in a classification of benign for this disease.

NM_022458.4(LMBR1):c.*1357A>G

Gene: LMBR1 (limb development membrane protein 1; minus strand). Cytogenetic location: 7q36.3.
Variant type: single nucleotide variant.
Coding change: c.*1357A>G on transcript NM_022458.4 (MANE Select); 1357 bases downstream of the stop codon, A replaced by G.
Molecular consequence: 3 prime UTR variant. On other transcripts: non-coding transcript variant (2).
Genome position (GRCh38, 1-based): chr7:156,682,721, T>C on the plus strand (A>G on the coding strand, the complement: LMBR1 is on the minus strand). VCF-style: chr7-156682721-T-C. GRCh37 (hg19) VCF-style: chr7-156475415-T-C.
Other names: c.*1357A>G (NM_001350953.2, NM_001350954.2, NM_001350955.2 and 8 more transcripts).
Identifiers: ClinVar variation 359402 (VCV000359402.5), dbSNP rs568810522, ClinGen allele CA10623517.
Genomic context (GRCh38, chr7:156,682,721, plus strand): 5'-AGTTTCTTATTATTTTGGTTTAAAGTGGAAATTTCTGATGTCAAATAGACACAGCCTGCG[T>C]TTCATAAATTTCTCCCAGAAAACCTTTAAATGTAACAATTTGAAAAAAATGTTTTACTTT-3'